The following is an entry in ClinVar:

ClinVar aggregate classification (germline): Uncertain significance (1 of 4 stars; one submission).

Submission:

GeneDx
Classification: Uncertain significance. Last evaluated: 2026-03-31. Review status: criteria provided, single submitter. Criteria: GeneDx Variant Classification Process June 2021. Collection method: clinical testing. Allele origin: germline.
Comment: Not observed at significant frequency in large population cohorts (gnomAD); In silico analysis supports that this missense variant has a deleterious effect on protein structure/function; Has not been previously published as pathogenic or benign to our knowledge

NM_022114.4(PRDM16):c.739C>T (p.Arg247Cys)

Gene: PRDM16 (PR/SET domain 16; plus strand). Cytogenetic location: 1p36.32.
Variant type: single nucleotide variant.
Coding change: c.739C>T on transcript NM_022114.4 (MANE Select); coding-DNA position 739, C replaced by T.
Protein change: p.Arg247Cys; replaces arginine 247 with cysteine.
Molecular consequence: missense variant.
Genome position (GRCh38, 1-based): chr1:3,402,853, C>T. VCF-style: chr1-3402853-C-T. GRCh37 (hg19) VCF-style: chr1-3319417-C-T.
Other names: c.739C>T, p.Arg247Cys (NM_199454.3); short protein forms R247C.
Identifiers: ClinVar variation 5017852 (VCV005017852.1).
Genomic context (GRCh38, chr1:3,402,853, plus strand): 5'-GAGCCCACGTTCCGCTGTGACGAGTGTGACGAACTCTTCCAGTCCAAGCTGGACCTGCGG[C>T]GCCATAAGAAGTACACGTGTGGCTCAGTGGGGGCTGCGCTCTACGAGGGCCTGGCTGAGG-3'
Protein context (NP_071397.3, residues 237-257): ELFQSKLDLR[Arg247Cys]HKKYTCGSVG